The following is an entry in ClinVar:

NM_004514.4(FOXK2):c.1644G>A (p.Thr548=)

Genes: FOXK2 (forkhead box K2; plus strand), FOXK2-AS1 (FOXK2 antisense RNA 1; minus strand). Cytogenetic location: 17q25.3.
Variant type: single nucleotide variant.
Coding change: c.1644G>A on transcript NM_004514.4 (MANE Select); coding-DNA position 1644, G replaced by A.
Protein change: p.Thr548=; no amino-acid change (threonine 548 retained).
Molecular consequence: synonymous variant.
Genome position (GRCh38, 1-based): chr17:82,587,130, G>A. VCF-style: chr17-82587130-G-A. GRCh37 (hg19) VCF-style: chr17-80545006-G-A.
Identifiers: ClinVar variation 726467 (VCV000726467.28), dbSNP rs148594749, ClinGen allele CA8859672.

ClinVar aggregate classification (germline): Benign/Likely benign. Review status: criteria provided, multiple submitters, no conflicts (2 of 4 stars). 2 submissions from 2 submitters: Benign (1); Likely benign (1). Last evaluated 2022-10-01.

Allele frequency attached by ClinVar (database versions not stated): TOPMed 0.00094; 1000 Genomes Project 30x 0.00109; ESP Exome Variant Server 0.00115; 1000 Genomes Project 0.00120; gnomAD exomes 0.00197 and 0.00340; ExAC 0.00347; gnomAD 0.00554.
gnomAD v4.1: 3,329 of 1,612,998 alleles (0.21%); highest among the groups gnomAD compares: South Asian, 0.37%; 31 homozygotes.

Submissions (2):

CeGaT Center for Human Genetics Tuebingen
Classification: Likely benign. Last evaluated: 2022-10-01. Review status: criteria provided, single submitter. Criteria: CeGaT Center For Human Genetics Tuebingen Variant Classification Criteria Version 2. Collection method: clinical testing. Allele origin: germline. Affected: yes. Observed: 1 variant allele.
Comment: FOXK2: BP4, BP7

Labcorp Genetics (formerly Invitae), Labcorp
Classification: Benign. Last evaluated: 2019-12-31. Review status: criteria provided, single submitter. Criteria: Invitae Variant Classification Sherloc (09022015). Collection method: clinical testing. Allele origin: germline.